The following is an entry in ClinVar:

NM_006790.3(MYOT):c.1370G>A (p.Arg457Gln)

Genes: MYOT (myotilin; plus strand), PKD2L2-DT (PKD2L2 divergent transcript; minus strand). Cytogenetic location: 5q31.2.
Variant type: single nucleotide variant.
Coding change: c.1370G>A on transcript NM_006790.3 (MANE Select); coding-DNA position 1370, G replaced by A.
Protein change: p.Arg457Gln; replaces arginine 457 with glutamine.
Molecular consequence: missense variant.
Genome position (GRCh38, 1-based): chr5:137,887,258, G>A. VCF-style: chr5-137887258-G-A. GRCh37 (hg19) VCF-style: chr5-137222947-G-A.
Other names: c.818G>A, p.Arg273Gln (NM_001135940.2); c.1025G>A, p.Arg342Gln (NM_001300911.2); short protein forms R273Q, R457Q, R342Q.
Identifiers: ClinVar variation 950692 (VCV000950692.10), dbSNP rs755203621, ClinGen allele CA3423186.
Genomic context (GRCh38, chr5:137,887,258, plus strand): 5'-TGTGATCTATTTCAGCACGTCCAAACCAAACTCTTCCAGCTCCTAAGCAGTTACGGGTTC[G>A]ACCAACATTCAGCAAATATTTAGCACTTAATGGGAAAGGTTTGAATGTAAAACAAGCTTT-3'
Protein context (NP_006781.1, residues 447-467): TLPAPKQLRV[Arg457Gln]PTFSKYLALN

ClinVar aggregate classification (germline): Uncertain significance (1 of 4 stars; one submission).

Conditions:
Myofibrillar myopathy 3 (MFM3). Also called: Autosomal dominant spheroid body myopathy; Muscular dystrophy, proximal, type 1A. Identifiers: Orphanet 266, Orphanet 268129, MedGen C3714934, MONDO:0012215, OMIM 609200.

Allele frequency attached by ClinVar (database versions not stated): ExAC 0.00001; gnomAD 0.00001; TOPMed 0.00003.

Submission:

Labcorp Genetics (formerly Invitae), Labcorp
Classification: Uncertain significance for Myofibrillar myopathy 3. Last evaluated: 2025-12-19. Review status: criteria provided, single submitter. Criteria: Invitae Variant Classification Sherloc (09022015). Collection method: clinical testing. Allele origin: germline.
Comment: This sequence change replaces arginine, which is basic and polar, with glutamine, which is neutral and polar, at codon 457 of the MYOT protein (p.Arg457Gln). This variant is present in population databases (rs755203621, gnomAD 0.01%). This variant has not been reported in the literature in individuals affected with MYOT-related conditions. ClinVar contains an entry for this variant (Variation ID: 950692). An algorithm developed to predict the effect of missense changes on protein structure and function (PolyPhen-2) suggests that this variant is likely to be disruptive. In summary, the available evidence is currently insufficient to determine the role of this variant in disease. Therefore, it has been classified as a Variant of Uncertain Significance.